The following is an entry in ClinVar:

NM_021815.5(SLC5A7):c.1113+6A>G

Gene: SLC5A7 (solute carrier family 5 member 7; plus strand). Cytogenetic location: 2q12.3.
Variant type: single nucleotide variant.
Coding change: c.1113+6A>G on transcript NM_021815.5 (MANE Select); 6 bases into the intron after coding-DNA position 1113, A replaced by G.
Molecular consequence: intron variant.
Genome position (GRCh38, 1-based): chr2:108,008,688, A>G. VCF-style: chr2-108008688-A-G. GRCh37 (hg19) VCF-style: chr2-108625144-A-G.
Other names: c.372+6A>G (NM_001305007.3); c.1113+6A>G (NM_001305005.3); c.798+6A>G (NM_001305006.3).
Identifiers: ClinVar variation 566138 (VCV000566138.10), dbSNP rs766515861, ClinGen allele CA1819113.

ClinVar aggregate classification (germline): Uncertain significance (1 of 4 stars; one submission).

Conditions:
Neuronopathy, distal hereditary motor, type 7A. Also called: NEURONOPATHY, DISTAL HEREDITARY MOTOR, HARDING TYPE VIIA; NEUROPATHY, DISTAL HEREDITARY MOTOR, HARDING TYPE VIIA; Neuronopathy, distal hereditary motor, autosomal dominant 7; HARPER-YOUNG MYOPATHY; HMN VIIA; Neuronopathy, distal hereditary motor, type viia. Identifiers: Orphanet 139589, MedGen C1834703, MONDO:0008024, OMIM 158580.
Congenital myasthenic syndrome 20. Also called: Myasthenic syndrome, congenital, 20, presynaptic. Identifiers: MedGen C4310694, MONDO:0014939, OMIM 617143.

Allele frequency attached by ClinVar (database versions not stated): ExAC 0.00002; gnomAD 0.00002; gnomAD exomes below 0.00001 and 0.00001; TOPMed 0.00003.
gnomAD v4.1: 7 of 1,610,266 alleles (0.00043%); highest among the groups gnomAD compares: Non-Finnish European, 0.00059%; no homozygotes.

Submission:

Labcorp Genetics (formerly Invitae), Labcorp
Classification: Uncertain significance for Neuronopathy, distal hereditary motor, type 7A; Congenital myasthenic syndrome 20. Last evaluated: 2025-10-13. Review status: criteria provided, single submitter. Criteria: Invitae Variant Classification Sherloc (09022015). Collection method: clinical testing. Allele origin: germline.
Comment: This sequence change falls in intron 8 of the SLC5A7 gene. It does not directly change the encoded amino acid sequence of the SLC5A7 protein. It affects a nucleotide within the consensus splice site. This variant is present in population databases (rs766515861, gnomAD 0.003%). This variant has not been reported in the literature in individuals affected with SLC5A7-related conditions. ClinVar contains an entry for this variant (Variation ID: 566138). Variants that disrupt the consensus splice site are a relatively common cause of aberrant splicing (PMID: 17576681, 9536098). Algorithms developed to predict the effect of sequence changes on RNA splicing suggest that this variant is not likely to affect RNA splicing. In summary, the available evidence is currently insufficient to determine the role of this variant in disease. Therefore, it has been classified as a Variant of Uncertain Significance.

Literature cited by the submitters: PubMed 17576681; PubMed 9536098.